The following is an entry in ClinVar:

NM_014845.6(FIG4):c.632C>T (p.Thr211Ile)

Gene: FIG4 (FIG4 phosphoinositide 5-phosphatase; plus strand). Cytogenetic location: 6q21.
Variant type: single nucleotide variant.
Coding change: c.632C>T on transcript NM_014845.6 (MANE Select); coding-DNA position 632, C replaced by T.
Protein change: p.Thr211Ile; replaces threonine 211 with isoleucine.
Molecular consequence: missense variant.
Genome position (GRCh38, 1-based): chr6:109,735,284, C>T. VCF-style: chr6-109735284-C-T. GRCh37 (hg19) VCF-style: chr6-110056487-C-T.
Other names: p.Thr211Ile; short protein forms T211I.
Identifiers: ClinVar variation 4541198 (VCV004541198.2).

ClinVar aggregate classification (germline): Uncertain significance. Review status: criteria provided, multiple submitters, no conflicts (2 of 4 stars). 2 submissions from 2 submitters: Uncertain significance (2). Last evaluated 2025-01-19.

gnomAD v4.1: 25 of 1,613,320 alleles (0.0015%); highest among the groups gnomAD compares: South Asian, 0.024%; 1 homozygote.

Submissions (2):

Mayo Clinic Laboratories, Mayo Clinic
Classification: Uncertain significance. Last evaluated: 2025-01-19. Review status: criteria provided, single submitter. Criteria: ACMG Guidelines, 2015. Collection method: clinical testing. Allele origin: germline. Observed: 1 variant allele.
Comment: BP4

Blueprint Genetics
Classification: Uncertain significance. Last evaluated: 2022-05-17. Review status: criteria provided, single submitter. Criteria: ACMG Guidelines, 2015. Collection method: clinical testing. Allele origin: germline.